The following is an entry in ClinVar:

NM_001378964.1(CDON):c.349+4A>G

Gene: CDON (cell adhesion associated, oncogene regulated; minus strand). Cytogenetic location: 11q24.2.
Variant type: single nucleotide variant.
Coding change: c.349+4A>G on transcript NM_001378964.1 (MANE Select); 4 bases into the intron after coding-DNA position 349, A replaced by G.
Molecular consequence: intron variant.
Genome position (GRCh38, 1-based): chr11:126,021,244, T>C on the plus strand (A>G on the coding strand, the complement: CDON is on the minus strand). VCF-style: chr11-126021244-T-C. GRCh37 (hg19) VCF-style: chr11-125891139-T-C.
Other names: c.349+4A>G (NM_001243597.3, NM_001441164.1, NM_001441162.1 and 5 more transcripts).
Identifiers: ClinVar variation 3716138 (VCV003716138.2).

ClinVar aggregate classification (germline): Uncertain significance (1 of 4 stars; one submission).

Conditions:
Holoprosencephaly 11 (HPE11). Identifiers: Orphanet 2162, MedGen C3280215, MONDO:0013642, OMIM 614226.

Submission:

Labcorp Genetics (formerly Invitae), Labcorp
Classification: Uncertain significance for Holoprosencephaly 11. Last evaluated: 2024-05-14. Review status: criteria provided, single submitter. Criteria: Invitae Variant Classification Sherloc (09022015). Collection method: clinical testing. Allele origin: germline.
Comment: This sequence change falls in intron 3 of the CDON gene. It does not directly change the encoded amino acid sequence of the CDON protein. It affects a nucleotide within the consensus splice site. This variant is not present in population databases (gnomAD no frequency). This variant has not been reported in the literature in individuals affected with CDON-related conditions. Variants that disrupt the consensus splice site are a relatively common cause of aberrant splicing (PMID: 17576681, 9536098). Algorithms developed to predict the effect of sequence changes on RNA splicing suggest that this variant is not likely to affect RNA splicing. In summary, the available evidence is currently insufficient to determine the role of this variant in disease. Therefore, it has been classified as a Variant of Uncertain Significance.

Literature cited by the submitters: PubMed 17576681; PubMed 9536098.